The following is an entry in ClinVar:

NM_004006.3(DMD):c.10643C>T (p.Thr3548Ile)

Gene: DMD (dystrophin; minus strand). Cytogenetic location: Xp21.2.
Variant type: single nucleotide variant.
Coding change: c.10643C>T on transcript NM_004006.3 (MANE Select); coding-DNA position 10643, C replaced by T.
Protein change: p.Thr3548Ile; replaces threonine 3548 with isoleucine.
Molecular consequence: missense variant.
Genome position (GRCh38, 1-based): chrX:31,147,429, G>A on the plus strand (C>T on the coding strand, the complement: DMD is on the minus strand). VCF-style: chrX-31147429-G-A. GRCh37 (hg19) VCF-style: chrX-31165546-G-A.
Other names: c.10619C>T, p.Thr3540Ile (NM_000109.4); c.10631C>T, p.Thr3544Ile (NM_004009.3); c.10274C>T, p.Thr3425Ile (NM_004010.3); c.6620C>T, p.Thr2207Ile (NM_004011.4); c.6611C>T, p.Thr2204Ile (NM_004012.4); c.3263C>T, p.Thr1088Ile (NM_004013.3, NM_004021.3); c.2456C>T, p.Thr819Ile (NM_004014.3); c.1439C>T, p.Thr480Ile (NM_004015.3, NM_004016.3); and 3 more; short protein forms T480I, T1088I, T2207I, T2204I, T3425I, T3544I, T467I, T819I.
Identifiers: ClinVar variation 94444 (VCV000094444.13), dbSNP rs139492098, ClinGen allele CA222280.

ClinVar aggregate classification (germline): Conflicting classifications of pathogenicity. Review status: criteria provided, conflicting classifications (1 of 4 stars). 5 submissions from 5 submitters: Uncertain significance (1); Likely benign (3). 1 of the submissions does not count toward it. Last evaluated 2026-02-02.

Conditions:
DMD-related disorder. Also called: DMD-related condition.
Cardiovascular phenotype. Identifiers: MedGen CN230736.
Duchenne muscular dystrophy (DMD). Also called: Duchenne Muscular Dystrophy (DMD); MUSCULAR DYSTROPHY, PSEUDOHYPERTROPHIC PROGRESSIVE, DUCHENNE TYPE. Identifiers: Orphanet 98896, MedGen C0013264, MONDO:0010679, OMIM 310200.

Allele frequency attached by ClinVar (database versions not stated): gnomAD exomes 0.00006 and 0.00004; TOPMed 0.00006; ESP Exome Variant Server 0.00009; gnomAD 0.00011 and 0.00012; ExAC 0.00005.
gnomAD v4.1: 78 of 1,204,994 alleles (0.0065%); highest among the groups gnomAD compares: African/African-American, 0.02%; no homozygotes.

Submissions (5):

Labcorp Genetics (formerly Invitae), Labcorp
Classification: Likely benign for Duchenne muscular dystrophy. Last evaluated: 2026-02-02. Review status: criteria provided, single submitter. Criteria: Invitae Variant Classification Sherloc (09022015). Collection method: clinical testing. Allele origin: germline.

Ambry Genetics
Classification: Uncertain significance for Cardiovascular phenotype. Last evaluated: 2020-12-07. Review status: criteria provided, single submitter. Criteria: Ambry Variant Classification Scheme 2023. Collection method: clinical testing. Allele origin: germline.

GeneDx
Classification: Likely benign. Last evaluated: 2020-01-20. Review status: criteria provided, single submitter. Criteria: GeneDx Variant Classification Process June 2021. Collection method: clinical testing. Allele origin: germline. Affected: yes.

Blueprint Genetics
Classification: Likely benign. Last evaluated: 2019-09-24. Review status: criteria provided, single submitter. Criteria: ACMG Guidelines, 2015. Collection method: clinical testing. Allele origin: germline.

PreventionGenetics, part of Exact Sciences
Classification: Likely benign for DMD-related condition. Last evaluated: 2024-08-23. Review status: no assertion criteria provided. Collection method: clinical testing. Allele origin: germline. Not counted in ClinVar's aggregate classification.
Comment: This variant is classified as likely benign based on ACMG/AMP sequence variant interpretation guidelines (Richards et al. 2015 PMID: 25741868, with internal and published modifications).